The following is an entry in ClinVar:

ClinVar aggregate classification (germline): Likely benign (1 of 4 stars; one submission).

Submission:

CeGaT Center for Human Genetics Tuebingen
Classification: Likely benign. Last evaluated: 2026-01-01. Review status: criteria provided, single submitter. Criteria: CeGaT Center For Human Genetics Tuebingen Variant Classification Criteria Version 2. Collection method: clinical testing. Allele origin: germline. Affected: yes. Observed: 1 variant allele.
Comment: POLR2A: BP4, BP7

NM_000937.5(POLR2A):c.4977C>G (p.Pro1659=)

Gene: POLR2A (RNA polymerase II subunit A; plus strand). Cytogenetic location: 17p13.1.
Variant type: single nucleotide variant.
Coding change: c.4977C>G on transcript NM_000937.5 (MANE Select); coding-DNA position 4977, C replaced by G.
Protein change: p.Pro1659=; no amino-acid change (proline 1659 retained).
Molecular consequence: synonymous variant.
Genome position (GRCh38, 1-based): chr17:7,513,241, C>G. VCF-style: chr17-7513241-C-G. GRCh37 (hg19) VCF-style: chr17-7416560-C-G.
Identifiers: ClinVar variation 4821425 (VCV004821425.4).